The following is an entry in ClinVar:

NM_020433.5(JPH2):c.439G>T (p.Val147Leu)

Gene: JPH2 (junctophilin 2; minus strand). Cytogenetic location: 20q13.12.
Variant type: single nucleotide variant.
Coding change: c.439G>T on transcript NM_020433.5 (MANE Select); coding-DNA position 439, G replaced by T.
Protein change: p.Val147Leu; replaces valine 147 with leucine.
Molecular consequence: missense variant.
Genome position (GRCh38, 1-based): chr20:44,160,348, C>A on the plus strand (G>T on the coding strand, the complement: JPH2 is on the minus strand). VCF-style: chr20-44160348-C-A. GRCh37 (hg19) VCF-style: chr20-42788988-C-A.
Other names: short protein forms V147L.
Identifiers: ClinVar variation 3338778 (VCV003338778.1).
Genomic context (GRCh38, chr20:44,160,348, plus strand): 5'-GCAGGGACGACAGCGACGTGCGCAGCGGCGAGCGCACCACCACGGCCATCCCGTAGGGCA[C>A]GCTCTGGCGTACTCCGTAGCCATGGCGCATGCCGTTGGTGAACTGGCCTTGGTACGTCCC-3'
Protein context (NP_065166.2, residues 137-157): MRHGYGVRQS[Val147Leu]PYGMAVVVRS

ClinVar aggregate classification (germline): Uncertain significance (1 of 4 stars; one submission).

gnomAD v4.1: 3 of 1,592,752 alleles (0.00019%); highest among the groups gnomAD compares: African/African-American, 0.0013%; no homozygotes.

Submission:

GeneDx
Classification: Uncertain significance. Last evaluated: 2023-11-27. Review status: criteria provided, single submitter. Criteria: GeneDx Variant Classification Process June 2021. Collection method: clinical testing. Allele origin: germline. Affected: yes.
Comment: Not observed at significant frequency in large population cohorts (gnomAD); In silico analysis supports that this missense variant does not alter protein structure/function; Has not been previously published as pathogenic or benign to our knowledge